The following is an entry in ClinVar:

ClinVar aggregate classification (germline): Uncertain significance (1 of 4 stars; one submission).

Submission:

GeneDx
Classification: Uncertain significance. Last evaluated: 2025-02-21. Review status: criteria provided, single submitter. Criteria: GeneDx Variant Classification Process June 2021. Collection method: clinical testing. Allele origin: germline. Affected: yes.
Comment: Not observed at significant frequency in large population cohorts (gnomAD); In silico analysis indicates that this missense variant does not alter protein structure/function; Has not been previously published as pathogenic or benign to our knowledge

NM_016121.5(KCTD3):c.14A>T (p.His5Leu)

Gene: KCTD3 (potassium channel tetramerization domain containing 3; plus strand). Cytogenetic location: 1q41.
Variant type: single nucleotide variant.
Coding change: c.14A>T on transcript NM_016121.5 (MANE Select); coding-DNA position 14, A replaced by T.
Protein change: p.His5Leu; replaces histidine 5 with leucine.
Molecular consequence: missense variant. On other transcripts: 5 prime UTR variant (1).
Genome position (GRCh38, 1-based): chr1:215,567,699, A>T. VCF-style: chr1-215567699-A-T. GRCh37 (hg19) VCF-style: chr1-215741042-A-T.
Other names: c.14A>T, p.His5Leu (NM_001319294.2); c.-365A>T (NM_001319295.2); short protein forms H5L.
Identifiers: ClinVar variation 4076826 (VCV004076826.1).